The following is an entry in ClinVar:

ClinVar aggregate classification (germline): Benign/Likely benign. Review status: criteria provided, multiple submitters, no conflicts (2 of 4 stars). 4 submissions from 4 submitters: Benign (1); Likely benign (2). 1 of the submissions does not count toward it. Last evaluated 2025-11-10.

Conditions:
RBBP8-related disorder. Also called: RBBP8-Related Disorders; RBBP8-related condition. Identifiers: MedGen CN239300.

Allele frequency attached by ClinVar (database versions not stated): ExAC 0.00073; gnomAD exomes 0.00091 and 0.00021; 1000 Genomes Project 0.00200; 1000 Genomes Project 30x 0.00203; ESP Exome Variant Server 0.00008; gnomAD 0.00029 and 0.00038; TOPMed 0.00048.
gnomAD v4.1: 368 of 1,614,066 alleles (0.023%); highest among the groups gnomAD compares: East Asian, 0.73%; 4 homozygotes.

Submissions (4):

Labcorp Genetics (formerly Invitae), Labcorp
Classification: Benign. Last evaluated: 2025-11-10. Review status: criteria provided, single submitter. Criteria: Invitae Variant Classification Sherloc (09022015). Collection method: clinical testing. Allele origin: germline.

CeGaT Center for Human Genetics Tuebingen
Classification: Likely benign. Last evaluated: 2025-01-01. Review status: criteria provided, single submitter. Criteria: CeGaT Center For Human Genetics Tuebingen Variant Classification Criteria Version 2. Collection method: clinical testing. Allele origin: germline. Affected: yes. Observed: 1 variant allele.
Comment: RBBP8: BP4, BP7

Blueprint Genetics
Classification: Likely benign. Last evaluated: 2024-07-26. Review status: criteria provided, single submitter. Criteria: ACMG Guidelines, 2015. Collection method: clinical testing. Allele origin: germline.

PreventionGenetics, part of Exact Sciences
Classification: Benign for RBBP8-related condition. Last evaluated: 2019-03-29. Review status: no assertion criteria provided. Collection method: clinical testing. Allele origin: germline. Not counted in ClinVar's aggregate classification.
Comment: This variant is classified as benign based on ACMG/AMP sequence variant interpretation guidelines (Richards et al. 2015 PMID: 25741868, with internal and published modifications).

NM_002894.3(RBBP8):c.1290T>A (p.Thr430=)

Gene: RBBP8 (RB binding protein 8, endonuclease; plus strand). Cytogenetic location: 18q11.2.
Variant type: single nucleotide variant.
Coding change: c.1290T>A on transcript NM_002894.3 (MANE Select); coding-DNA position 1290, T replaced by A.
Protein change: p.Thr430=; no amino-acid change (threonine 430 retained).
Molecular consequence: synonymous variant.
Genome position (GRCh38, 1-based): chr18:22,993,117, T>A. VCF-style: chr18-22993117-T-A. GRCh37 (hg19) VCF-style: chr18-20573080-T-A.
Other names: c.1290T>A, p.Thr430= (NM_203291.2, NM_203292.2).
Identifiers: ClinVar variation 326225 (VCV000326225.27), dbSNP rs74565999, ClinGen allele CA8910045.